The following is an entry in ClinVar:

ClinVar aggregate classification (germline): Benign/Likely benign. Review status: criteria provided, multiple submitters, no conflicts (2 of 4 stars). 5 submissions from 5 submitters: Benign (2); Likely benign (1). 2 of the submissions do not count toward it. Last evaluated 2025-08-01.

Conditions:
Familial acute necrotizing encephalopathy (IIAE3). Also called: Susceptibility to Acute Necrotizing Encephalopathy 1; ENCEPHALOPATHY, ACUTE, INFECTION-INDUCED, SUSCEPTIBILITY TO, 3. Identifiers: Orphanet 88619, MedGen C2675556, MONDO:0011953, OMIM 608033.

Allele frequency attached by ClinVar (database versions not stated): 1000 Genomes Project 0.00180; 1000 Genomes Project 30x 0.00219; gnomAD 0.00290 and 0.00292; ESP Exome Variant Server 0.00323; gnomAD exomes 0.00327; ExAC 0.00336; TOPMed 0.00347.
gnomAD v4.1: 6,455 of 1,614,072 alleles (0.4%); highest among the groups gnomAD compares: Admixed American, 0.49%; 23 homozygotes.

Submissions (5):

CeGaT Center for Human Genetics Tuebingen
Classification: Likely benign. Last evaluated: 2025-08-01. Review status: criteria provided, single submitter. Criteria: CeGaT Center For Human Genetics Tuebingen Variant Classification Criteria Version 2. Collection method: clinical testing. Allele origin: germline. Affected: yes. Observed: 4 variant alleles.
Comment: RANBP2: BP4, BS2

Labcorp Genetics (formerly Invitae), Labcorp
Classification: Benign for Encephalopathy, acute, infection-induced, 3, suceptibility to. Last evaluated: 2019-12-31. Review status: criteria provided, single submitter. Criteria: Invitae Variant Classification Sherloc (09022015). Collection method: clinical testing. Allele origin: germline.

Breakthrough Genomics
Classification: Benign. Review status: criteria provided, single submitter. Criteria: ACMG Guidelines, 2015. Collection method: not provided. Allele origin: germline. Inheritance: Autosomal dominant inheritance. Affected: yes.

Clinical Genetics DNA and cytogenetics Diagnostics Lab, Erasmus MC, Erasmus Medical Center
Classification: Likely benign. Review status: no assertion criteria provided. Collection method: clinical testing. Allele origin: germline. Affected: yes. Study: VKGL Data-share Consensus. Not counted in ClinVar's aggregate classification.

Genome Diagnostics Laboratory, University Medical Center Utrecht
Classification: Likely benign. Review status: no assertion criteria provided. Collection method: clinical testing. Allele origin: germline. Affected: yes. Study: VKGL Data-share Consensus. Not counted in ClinVar's aggregate classification.

NM_006267.5(RANBP2):c.3163C>T (p.Pro1055Ser)

Gene: RANBP2 (RAN binding protein 2; plus strand). Cytogenetic location: 2q13.
Variant type: single nucleotide variant.
Coding change: c.3163C>T on transcript NM_006267.5 (MANE Select); coding-DNA position 3163, C replaced by T.
Protein change: p.Pro1055Ser; replaces proline 1055 with serine.
Molecular consequence: missense variant.
Genome position (GRCh38, 1-based): chr2:108,763,702, C>T. VCF-style: chr2-108763702-C-T. GRCh37 (hg19) VCF-style: chr2-109380158-C-T.
Other names: short protein forms P1055S.
Identifiers: ClinVar variation 779304 (VCV000779304.31), dbSNP rs140860785, ClinGen allele CA1822888.
Genomic context (GRCh38, chr2:108,763,702, plus strand): 5'-TCAAATTTCAAATCAAATGATGGTGACTTCACGTTTTCCTCACCACAGGTTGTGACACAG[C>T]CCCCTCCTGCAGCTTACAGTAACAGTGAAAGCCTTTTAGGTCTCCTGACTTCAGATAAAC-3'
Protein context (NP_006258.3, residues 1045-1065): TFSSPQVVTQ[Pro1055Ser]PPAAYSNSES